The following is an entry in ClinVar:

NM_000123.4(ERCC5):c.1298_1305dup (p.Asp436delinsLysTer)

Genes: BIVM-ERCC5 (BIVM-ERCC5 readthrough; plus strand), ERCC5 (ERCC excision repair 5, endonuclease; plus strand). Cytogenetic location: 13q33.1.
Variant type: Duplication.
Coding change: c.1298_1305dup on transcript NM_000123.4 (MANE Select); coding-DNA positions 1298 to 1305, 8 bases duplicated (AAGTGAGA; older notation c.1298_1305dupAAGTGAGA).
Protein change: p.Asp436delinsLysTer.
Molecular consequence: nonsense.
Genome position (GRCh38, 1-based): chr13:102,862,447-102,862,454, AAGTGAGA duplicated; duplicating any 8 consecutive bases within chr13:102,862,446-102,862,454 gives the same sequence; the c. name uses the placement nearest the transcript's 3' end. VCF-style (leftmost placement, unchanged base first): chr13-102862445-T-TAAAGTGAG. GRCh37 (hg19) VCF-style: chr13-103514795-T-TAAAGTGAG.
Other names: c.2660_2667dup, p.Asp890delinsLysTer (NM_001204425.2).
Identifiers: ClinVar variation 5018873 (VCV005018873.1).

ClinVar aggregate classification (germline): Pathogenic (1 of 4 stars; one submission).

Conditions:
Cerebrooculofacioskeletal syndrome 3 (COFS3). Identifiers: MedGen C1851443, MONDO:0014696, OMIM 616570.
Xeroderma pigmentosum, group G (XPG). Also called: XERODERMA PIGMENTOSUM VII; XP, GROUP G; Xeroderma pigmentosum type 7; ERCC5-Related Xeroderma Pigmentosum. Identifiers: MedGen C0268141, MONDO:0010216, OMIM 278780.

Submission:

Juno Genomics, Hangzhou Juno Genomics, Inc
Classification: Pathogenic for Cerebrooculofacioskeletal syndrome 3; Xeroderma pigmentosum, group G. Review status: criteria provided, single submitter. Criteria: ACMG Guidelines, 2015. Collection method: clinical testing. Allele origin: germline. Affected: yes.
Comment: Absent from controls (or at extremely low frequency if recessive) in Genome Aggregation Database.;Null variant in a gene where loss of function (LOF) is a known mechanism of disease.;Patient's phenotype or family history is highly specific for a disease with a single genetic etiology.